The following is an entry in ClinVar:

NM_001128227.3(GNE):c.18T>A (p.Tyr6Ter)

Gene: GNE (glucosamine (UDP-N-acetyl)-2-epimerase/N-acetylmannosamine kinase; minus strand). Cytogenetic location: 9p13.3.
Variant type: single nucleotide variant.
Coding change: c.18T>A on transcript NM_001128227.3 (MANE Plus Clinical); coding-DNA position 18, T replaced by A.
Protein change: p.Tyr6Ter; replaces tyrosine 6 with a stop codon.
Molecular consequence: nonsense. On other transcripts: 5 prime UTR variant (1).
Genome position (GRCh38, 1-based): chr9:36,276,927, A>T on the plus strand (T>A on the coding strand, the complement: GNE is on the minus strand). VCF-style: chr9-36276927-A-T. GRCh37 (hg19) VCF-style: chr9-36276924-A-T.
Other names: p.Tyr6*; c.-47T>A (NM_001190388.2); short protein forms Y6*.
Identifiers: ClinVar variation 583405 (VCV000583405.61), dbSNP rs200763627, ClinGen allele CA5056831.

ClinVar aggregate classification (germline): Conflicting classifications of pathogenicity. Review status: criteria provided, conflicting classifications (1 of 4 stars). 10 submissions from 10 submitters: Pathogenic (2); Likely pathogenic (4); Uncertain significance (4). Last evaluated 2026-02-01.

Conditions:
GNE myopathy (NM). Also called: IBM 2; Inclusion body myopathy autosomal recessive; Inclusion body myopathy quadriceps sparing; INCLUSION BODY MYOPATHY, HEREDITARY, AUTOSOMAL RECESSIVE; INCLUSION BODY MYOPATHY 2, AUTOSOMAL RECESSIVE; MYOPATHY, DISTAL, WITH OR WITHOUT RIMMED VACUOLES. Identifiers: Orphanet 602, MedGen C1853926, MONDO:0011603, OMIM 605820.
Thrombocytopenia 12 with or without myopathy (THC12). Identifiers: MedGen C5935593, MONDO:0958325, OMIM 620757.
Sialuria. Also called: SIALURIA, FRENCH TYPE; Sialic Acid Storage Disease. Identifiers: Orphanet 3166, MedGen C0342853, MONDO:0010028, OMIM 269921.

Allele frequency attached by ClinVar (database versions not stated): gnomAD 0.00004 and 0.00005; 1000 Genomes Project 30x 0.00031; 1000 Genomes Project 0.00040; TOPMed 0.00013.

Submissions (10):

Labcorp Genetics (formerly Invitae), Labcorp
Classification: Pathogenic for Sialuria; GNE myopathy. Last evaluated: 2026-02-01. Review status: criteria provided, single submitter. Criteria: Invitae Variant Classification Sherloc (09022015). Collection method: clinical testing. Allele origin: germline.
Comment: This sequence change creates a premature translational stop signal (p.Tyr6*) in the GNE gene. It is expected to result in an absent or disrupted protein product. Loss-of-function variants in GNE are known to be pathogenic (PMID: 24027297). This variant is present in population databases (rs200763627, gnomAD 0.2%). This variant has not been reported in the literature in individuals affected with GNE-related conditions. ClinVar contains an entry for this variant (Variation ID: 583405). For these reasons, this variant has been classified as Pathogenic.

Women's Health and Genetics/Laboratory Corporation of America, LabCorp
Classification: Pathogenic for GNE myopathy. Last evaluated: 2025-05-21. Review status: criteria provided, single submitter. Criteria: LabCorp Variant Classification Summary - May 2015. Collection method: clinical testing. Allele origin: germline.
Comment: Variant summary: GNE c.18T>A (p.Tyr6X) results in a premature termination codon, predicted to cause a truncation of the encoded protein or absence of the protein due to nonsense mediated decay, which are commonly known mechanisms for disease. The variant allele was found at a frequency of 0.0002 in 248350 control chromosomes. This frequency is not significantly higher than estimated for a pathogenic variant in GNE causing Inclusion Body Myopathy 2 (0.0002 vs 0.0011), allowing no conclusion about variant significance. c.18T>A has been observed in individuals affected with increased creatine kinase-MM or skeletal dysplasia and other skeletal disorders (Kucera_2024, MacCarrick_2024). To our knowledge, no experimental evidence demonstrating an impact on protein function has been reported. The following publications have been ascertained in the context of this evaluation (PMID: 37864479, 38702915). ClinVar contains an entry for this variant (Variation ID: 583405). Based on the evidence outlined above, the variant was classified as pathogenic.

Variantyx, Inc.
Classification: Likely pathogenic for Thrombocytopenia 12 with or without myopathy. Last evaluated: 2025-03-12. Review status: criteria provided, single submitter. Criteria: Variantyx Assertion Criteria 2022. Collection method: clinical testing. Allele origin: paternal.
Comment: This is a nonsense variant in the GNE gene (OMIM: 603824). Pathogenic variants in this gene have been associated with autosomal recessive thrombocytopenia 12 with or without myopathy. This variant introduces a premature termination codon in exon 1 out of 12. It is expected to result in loss of function, which is a known disease mechanism for GNE in this disorder (PMID: 24027297) (PVS1). This variant has a 0.0981% maximum allele frequency in non-founder control populations (PM2_Supporting). Based on the current evidence, this variant is classified as likely pathogenic for autosomal recessive thrombocytopenia 12 with or without myopathy.

Mayo Clinic Laboratories, Mayo Clinic
Classification: Uncertain significance. Last evaluated: 2024-12-10. Review status: criteria provided, single submitter. Criteria: ACMG Guidelines, 2015. Collection method: clinical testing. Allele origin: germline. Observed: 2 variant alleles.

Blueprint Genetics
Classification: Uncertain significance. Last evaluated: 2024-06-14. Review status: criteria provided, single submitter. Criteria: ACMG Guidelines, 2015. Collection method: clinical testing. Allele origin: germline.

Revvity Omics, Revvity
Classification: Uncertain significance. Last evaluated: 2022-11-29. Review status: criteria provided, single submitter. Criteria: ACMG Guidelines, 2015. Collection method: clinical testing. Allele origin: germline.

Department of Pathology and Laboratory Medicine, Sinai Health System
Classification: Likely pathogenic for Sialuria; GNE myopathy; Thrombocytopenia 12 with or without myopathy. Last evaluated: 2022-11-19. Review status: criteria provided, single submitter. Criteria: ACMG Guidelines, 2015. Collection method: research. Allele origin: germline.

Fulgent Genetics
Classification: Likely pathogenic for Sialuria; GNE myopathy. Last evaluated: 2018-10-31. Review status: criteria provided, single submitter. Criteria: ACMG Guidelines, 2015. Collection method: clinical testing. Allele origin: unknown.

Eurofins Ntd Llc (ga)
Classification: Uncertain significance. Last evaluated: 2018-06-15. Review status: criteria provided, single submitter. Criteria: EGL ClinVar v180209 classification definitions. Collection method: clinical testing. Allele origin: germline. Observed: 1 variant allele, 1 heterozygote.

Juno Genomics, Hangzhou Juno Genomics, Inc
Classification: Likely pathogenic for Thrombocytopenia 12 with or without myopathy; GNE myopathy. Review status: criteria provided, single submitter. Criteria: ACMG Guidelines, 2015. Collection method: clinical testing. Allele origin: germline. Affected: yes.
Comment: Null variant in a gene where loss of function (LOF) is a known mechanism of disease.

Literature cited by the submitters: PubMed 24027297 (cited by Labcorp Genetics (formerly Invitae), Labcorp); PubMed 38702915 (cited by Women's Health and Genetics/Laboratory Corporation of America, LabCorp); PubMed 37864479 (cited by Women's Health and Genetics/Laboratory Corporation of America, LabCorp).